The following is an entry in ClinVar:

ClinVar aggregate classification (germline): Likely benign. Review status: criteria provided, multiple submitters, no conflicts (2 of 4 stars). 3 submissions from 3 submitters: Likely benign (3). Last evaluated 2026-04-01.

Conditions:
Hereditary spastic paraplegia 3A (SPG3A). Also called: Spastic paraplegia 3A, autosomal dominant; SPASTIC PARAPLEGIA 3, AUTOSOMAL DOMINANT; FAMILIAL SPASTIC PARAPLEGIA, AUTOSOMAL DOMINANT, 1; SPG3; STRUMPELL DISEASE; Spastic Paraplegia 3A. Identifiers: Orphanet 100984, MedGen C2931355, MONDO:0008437, OMIM 182600.

Allele frequency attached by ClinVar (database versions not stated): gnomAD exomes 0.00005 and 0.00009; gnomAD 0.00006 and 0.00008; ExAC 0.00007; TOPMed 0.00007.
gnomAD v4.1: 97 of 1,614,008 alleles (0.006%); highest among the groups gnomAD compares: Middle Eastern, 0.12%; no homozygotes.

Submissions (3):

CeGaT Center for Human Genetics Tuebingen
Classification: Likely benign. Last evaluated: 2026-04-01. Review status: criteria provided, single submitter. Criteria: CeGaT Center For Human Genetics Tuebingen Variant Classification Criteria Version 2. Collection method: clinical testing. Allele origin: germline. Affected: yes. Observed: 1 variant allele.
Comment: ATL1: BP4, BP7

Labcorp Genetics (formerly Invitae), Labcorp
Classification: Likely benign for Hereditary spastic paraplegia 3A. Last evaluated: 2026-02-01. Review status: criteria provided, single submitter. Criteria: Invitae Variant Classification Sherloc (09022015). Collection method: clinical testing. Allele origin: germline.

Illumina Laboratory Services, Illumina
Classification: Likely benign for Hereditary spastic paraplegia 3A. Last evaluated: 2018-01-13. Review status: criteria provided, single submitter. Criteria: ICSL Variant Classification Criteria 13 December 2019. Collection method: clinical testing. Allele origin: germline.
Comment: This variant was observed in the ICSL laboratory as part of a predisposition screen in an ostensibly healthy population. It had not been previously curated by ICSL or reported in the Human Gene Mutation Database (HGMD: prior to June 1st, 2018), and was therefore a candidate for classification through an automated scoring system. Utilizing variant allele frequency, disease prevalence and penetrance estimates, and inheritance mode, an automated score was calculated to assess if this variant is too frequent to cause the disease. Based on the score and internal cut-off values, a variant classified as likely benign is not then subjected to further curation. The score for this variant resulted in a classification of likely benign for this disease.

NM_015915.5(ATL1):c.45G>A (p.Ser15=)

Gene: ATL1 (atlastin GTPase 1; plus strand). Cytogenetic location: 14q22.1.
Variant type: single nucleotide variant.
Coding change: c.45G>A on transcript NM_015915.5 (MANE Select); coding-DNA position 45, G replaced by A.
Protein change: p.Ser15=; no amino-acid change (serine 15 retained).
Molecular consequence: synonymous variant.
Genome position (GRCh38, 1-based): chr14:50,587,841, G>A. VCF-style: chr14-50587841-G-A. GRCh37 (hg19) VCF-style: chr14-51054559-G-A.
Other names: c.45G>A, p.Ser15= (NM_001127713.1, NM_181598.4).
Identifiers: ClinVar variation 697332 (VCV000697332.16), dbSNP rs775540772, ClinGen allele CA7180164.